The following is an entry in ClinVar:

NM_000553.6(WRN):c.4050G>T (p.Met1350Ile)

Gene: WRN (WRN RecQ like helicase; plus strand). Cytogenetic location: 8p12.
Variant type: single nucleotide variant.
Coding change: c.4050G>T on transcript NM_000553.6 (MANE Select); coding-DNA position 4050, G replaced by T.
Protein change: p.Met1350Ile; replaces methionine 1350 with isoleucine.
Molecular consequence: missense variant.
Genome position (GRCh38, 1-based): chr8:31,167,089, G>T. VCF-style: chr8-31167089-G-T. GRCh37 (hg19) VCF-style: chr8-31024605-G-T.
Other names: short protein forms M1350I.
Identifiers: ClinVar variation 2792638 (VCV002792638.3), dbSNP rs2536081329, ClinGen allele CA370909074.
Genomic context (GRCh38, chr8:31,167,089, plus strand): 5'-TAAAATTAGCCTAATCAGAATGTTAGTTCCTGAAAACATTGACACGTACCTTATCCACAT[G>T]GCAATTGAGATCCTTAAACATGGTCCTGACAGCGGACTTCAACCTTCATGTGATGTCAAC-3'
Protein context (NP_000544.2, residues 1340-1360): PENIDTYLIH[Met1350Ile]AIEILKHGPD

ClinVar aggregate classification (germline): Uncertain significance (1 of 4 stars; one submission).

Conditions:
Werner syndrome (WRN). Identifiers: Orphanet 902, MedGen C0043119, MONDO:0010196, OMIM 277700.

Submission:

Labcorp Genetics (formerly Invitae), Labcorp
Classification: Uncertain significance for Werner syndrome. Last evaluated: 2022-11-11. Review status: criteria provided, single submitter. Criteria: Invitae Variant Classification Sherloc (09022015). Collection method: clinical testing. Allele origin: germline.
Comment: In summary, the available evidence is currently insufficient to determine the role of this variant in disease. Therefore, it has been classified as a Variant of Uncertain Significance. Algorithms developed to predict the effect of missense changes on protein structure and function are either unavailable or do not agree on the potential impact of this missense change (SIFT: "Not Available"; PolyPhen-2: "Benign"; Align-GVGD: "Not Available"). This variant has not been reported in the literature in individuals affected with WRN-related conditions. This variant is not present in population databases (gnomAD no frequency). This sequence change replaces methionine, which is neutral and non-polar, with isoleucine, which is neutral and non-polar, at codon 1350 of the WRN protein (p.Met1350Ile).